The following is an entry in ClinVar:

NM_000112.4(SLC26A2):c.706A>G (p.Met236Val)

Gene: SLC26A2 (solute carrier family 26 member 2; plus strand). Cytogenetic location: 5q32.
Variant type: single nucleotide variant.
Coding change: c.706A>G on transcript NM_000112.4 (MANE Select); coding-DNA position 706, A replaced by G.
Protein change: p.Met236Val; replaces methionine 236 with valine.
Molecular consequence: missense variant.
Genome position (GRCh38, 1-based): chr5:149,980,299, A>G. VCF-style: chr5-149980299-A-G. GRCh37 (hg19) VCF-style: chr5-149359862-A-G.
Other names: short protein forms M236V.
Identifiers: ClinVar variation 2202215 (VCV002202215.4), dbSNP rs982879554, ClinGen allele CA129083662.
Genomic context (GRCh38, chr5:149,980,299, plus strand): 5'-AATTTAGAAGTTCTTTTCCATTTATATTTAACACTTCTATATCCTTCCTTCCAGGTAGCG[A>G]TGGGCTTCTTTCAAGTGGGTTTTGTTTCTGTCTACCTCTCAGATGCCTTGCTGAGTGGAT-3'
Protein context (NP_000103.2, residues 226-246): TFIAGVYQVA[Met236Val]GFFQVGFVSV

ClinVar aggregate classification (germline): Conflicting classifications of pathogenicity. Review status: criteria provided, conflicting classifications (1 of 4 stars). 4 submissions from 4 submitters: Likely pathogenic (1); Uncertain significance (3). Last evaluated 2025-11-25.

Conditions:
Multiple epiphyseal dysplasia type 4 (EDM4). Also called: Multiple Epiphyseal Dysplasia, Recessive; SLC26A2-Related Multiple Epiphyseal Dysplasia; MULTIPLE EPIPHYSEAL DYSPLASIA WITH BILAYERED PATELLAE; MULTIPLE EPIPHYSEAL DYSPLASIA WITH CLUBFOOT; MULTIPLE EPIPHYSEAL DYSPLASIA, AUTOSOMAL RECESSIVE. Identifiers: Orphanet 93307, MedGen C1847593, MONDO:0009189, OMIM 226900.
Achondrogenesis, type IB (ACG1B). Also called: Achondrogenesis Type 1B. Identifiers: Orphanet 932, Orphanet 93298, MedGen C0265274, MONDO:0010966, OMIM 600972.
Diastrophic dysplasia (DTD). Also called: Diastrophic dwarfism. Identifiers: Orphanet 628, MedGen C0220726, MONDO:0009107, OMIM 222600.
Atelosteogenesis type II (AO2). Also called: Neonatal osseous dysplasia 1; SLC26A2-Related Atelosteogenesis; NEONATAL OSSEOUS DYSPLASIA I. Identifiers: Orphanet 56304, MedGen C1850554, MONDO:0009727, OMIM 256050.

Allele frequency attached by ClinVar (database versions not stated): gnomAD 0.00001; gnomAD exomes 0.00001; TOPMed 0.00001.
gnomAD v4.1: 11 of 1,613,600 alleles (0.00068%); highest among the groups gnomAD compares: Middle Eastern, 0.016%; no homozygotes.

Submissions (4):

Laboratory of Functional Genomics, Research Centre for Medical Genetics
Classification: Likely pathogenic for Multiple epiphyseal dysplasia type 4. Last evaluated: 2025-11-25. Review status: criteria provided, single submitter. Criteria: ACMG Guidelines, 2015. Collection method: clinical testing, in vitro. Allele origin: germline, not applicable. Inheritance: Autosomal recessive inheritance. Affected: yes. Observed: 2 variant alleles. Functional consequence: decreased enzyme activity.
Comment: This variant is present in the gnomAD v4.1.0 database with a total AF 6.82e-6 (11/1613600 alleles). It was identified in two patients with an atypical rMED course in compound heterozygous state with p.Asp385CysfsTer19 in one patient and with c.-26+2T>C in the other. Sulfate uptake assays performed on patient fibroblasts revealed a significant reduction in the transmembrane transporter activity of SLC26A2.

Blueprint Genetics
Classification: Uncertain significance. Last evaluated: 2024-11-13. Review status: criteria provided, single submitter. Criteria: ACMG Guidelines, 2015. Collection method: clinical testing. Allele origin: germline.

Labcorp Genetics (formerly Invitae), Labcorp
Classification: Uncertain significance for Atelosteogenesis type II; Multiple epiphyseal dysplasia type 4; Achondrogenesis, type IB; Diastrophic dysplasia. Last evaluated: 2022-06-27. Review status: criteria provided, single submitter. Criteria: Invitae Variant Classification Sherloc (09022015). Collection method: clinical testing. Allele origin: germline.
Comment: This sequence change replaces methionine, which is neutral and non-polar, with valine, which is neutral and non-polar, at codon 236 of the SLC26A2 protein (p.Met236Val). This variant is present in population databases (no rsID available, gnomAD 0.002%). This variant has not been reported in the literature in individuals affected with SLC26A2-related conditions. Advanced modeling of protein sequence and biophysical properties (such as structural, functional, and spatial information, amino acid conservation, physicochemical variation, residue mobility, and thermodynamic stability) performed at Invitae indicates that this missense variant is expected to disrupt SLC26A2 protein function. Algorithms developed to predict the effect of sequence changes on RNA splicing suggest that this variant may create or strengthen a splice site. In summary, the available evidence is currently insufficient to determine the role of this variant in disease. Therefore, it has been classified as a Variant of Uncertain Significance.

Department of Pathology and Laboratory Medicine, Sinai Health System
Classification: Uncertain significance for Diastrophic dysplasia; Multiple epiphyseal dysplasia type 4; Atelosteogenesis type II; Achondrogenesis, type IB. Last evaluated: 2021-07-30. Review status: criteria provided, single submitter. Criteria: ACMG Guidelines, 2015. Collection method: research. Allele origin: germline.